The following is an entry in ClinVar:

ClinVar aggregate classification (germline): Uncertain significance (1 of 4 stars; one submission).

Conditions:
Progressive familial heart block type IB (PFHB1B). Identifiers: Orphanet 871, MedGen C1970298, MONDO:0011474, OMIM 604559.

gnomAD v4.1: 1 of 1,590,298 alleles (0.000063%); highest among the groups gnomAD compares: African/African-American, 0.0013%; no homozygotes.

Submission:

Labcorp Genetics (formerly Invitae), Labcorp
Classification: Uncertain significance for Progressive familial heart block type IB. Last evaluated: 2025-07-01. Review status: criteria provided, single submitter. Criteria: Invitae Variant Classification Sherloc (09022015). Collection method: clinical testing. Allele origin: germline.
Comment: This sequence change replaces serine, which is neutral and polar, with asparagine, which is neutral and polar, at codon 536 of the TRPM4 protein (p.Ser536Asn). This variant is not present in population databases (gnomAD no frequency). This variant has not been reported in the literature in individuals affected with TRPM4-related conditions. An algorithm developed to predict the effect of missense changes on protein structure and function outputs the following: PolyPhen-2: "Benign". The asparagine amino acid residue is found in multiple mammalian species, which suggests that this missense change does not adversely affect protein function. In summary, the available evidence is currently insufficient to determine the role of this variant in disease. Therefore, it has been classified as a Variant of Uncertain Significance.

NM_017636.4(TRPM4):c.1607G>A (p.Ser536Asn)

Gene: TRPM4 (transient receptor potential cation channel subfamily M member 4; plus strand). Cytogenetic location: 19q13.33.
Variant type: single nucleotide variant.
Coding change: c.1607G>A on transcript NM_017636.4 (MANE Select); coding-DNA position 1607, G replaced by A.
Protein change: p.Ser536Asn; replaces serine 536 with asparagine.
Molecular consequence: missense variant. On other transcripts: intron variant (1).
Genome position (GRCh38, 1-based): chr19:49,182,921, G>A. VCF-style: chr19-49182921-G-A. GRCh37 (hg19) VCF-style: chr19-49686178-G-A.
Other names: c.1607G>A, p.Ser536Asn (NM_001195227.2); c.1262G>A, p.Ser421Asn (NM_001321281.2); c.1085G>A, p.Ser362Asn (NM_001321283.2); c.545G>A, p.Ser182Asn (NM_001321285.2); c.-1+54G>A (NM_001321282.2); short protein forms S362N, S536N, S421N, S182N.
Identifiers: ClinVar variation 4766375 (VCV004766375.1).